The following is an entry in ClinVar:

ClinVar aggregate classification (germline): Uncertain significance (1 of 4 stars; one submission).

Conditions:
Hereditary spastic paraplegia 31. Also called: SPASTIC PARAPLEGIA 31, AUTOSOMAL DOMINANT. Identifiers: Orphanet 101011, MedGen C1853247, MONDO:0012453, OMIM 610250.

Allele frequency attached by ClinVar (database versions not stated): gnomAD 0.00001; gnomAD exomes 0.00001.
gnomAD v4.1: 15 of 1,614,032 alleles (0.00093%); highest among the groups gnomAD compares: Admixed American, 0.0017%; no homozygotes.

Submission:

Labcorp Genetics (formerly Invitae), Labcorp
Classification: Uncertain significance for Hereditary spastic paraplegia 31. Last evaluated: 2023-05-01. Review status: criteria provided, single submitter. Criteria: Invitae Variant Classification Sherloc (09022015). Collection method: clinical testing. Allele origin: germline.
Comment: This sequence change replaces phenylalanine, which is neutral and non-polar, with leucine, which is neutral and non-polar, at codon 121 of the REEP1 protein (p.Phe121Leu). This variant is not present in population databases (gnomAD no frequency). This variant has not been reported in the literature in individuals affected with REEP1-related conditions. An algorithm developed to predict the effect of missense changes on protein structure and function (PolyPhen-2) suggests that this variant is likely to be tolerated. In summary, the available evidence is currently insufficient to determine the role of this variant in disease. Therefore, it has been classified as a Variant of Uncertain Significance.

NM_001371279.1(REEP1):c.361T>C (p.Phe121Leu)

Gene: REEP1 (receptor accessory protein 1; minus strand). Cytogenetic location: 2p11.2.
Variant type: single nucleotide variant.
Coding change: c.361T>C on transcript NM_001371279.1 (MANE Select); coding-DNA position 361, T replaced by C.
Protein change: p.Phe121Leu; replaces phenylalanine 121 with leucine.
Molecular consequence: missense variant. On other transcripts: intron variant (1).
Genome position (GRCh38, 1-based): chr2:86,252,013, A>G on the plus strand (T>C on the coding strand, the complement: REEP1 is on the minus strand). VCF-style: chr2-86252013-A-G. GRCh37 (hg19) VCF-style: chr2-86479136-A-G.
Other names: c.382T>C, p.Phe128Leu (NM_001164730.2); c.280T>C, p.Phe94Leu (NM_001164731.2); c.361T>C, p.Phe121Leu (NM_001371280.1, NM_001410855.1, NM_001410856.1 and 1 more transcripts); c.182+11952T>C (NM_001164732.2); short protein forms F121L, F128L, F94L.
Identifiers: ClinVar variation 2986708 (VCV002986708.3), dbSNP rs1676308997, ClinGen allele CA347716111.